The following is an entry in ClinVar:

ClinVar aggregate classification (germline): Uncertain significance (1 of 4 stars; one submission).

gnomAD v4.1: 2 of 1,614,150 alleles (0.00012%); highest among the groups gnomAD compares: Non-Finnish European, 0.00017%; no homozygotes.

Submission:

Labcorp Genetics (formerly Invitae), Labcorp
Classification: Uncertain significance. Last evaluated: 2025-01-21. Review status: criteria provided, single submitter. Criteria: Invitae Variant Classification Sherloc (09022015). Collection method: clinical testing. Allele origin: germline.
Comment: This sequence change replaces isoleucine, which is neutral and non-polar, with valine, which is neutral and non-polar, at codon 537 of the DSCAML1 protein (p.Ile537Val). This variant is not present in population databases (gnomAD no frequency). This variant has not been reported in the literature in individuals affected with DSCAML1-related conditions. An algorithm developed to predict the effect of missense changes on protein structure and function (PolyPhen-2) suggests that this variant is likely to be tolerated. In summary, the available evidence is currently insufficient to determine the role of this variant in disease. Therefore, it has been classified as a Variant of Uncertain Significance.

NM_020693.4(DSCAML1):c.1429A>G (p.Ile477Val)

Gene: DSCAML1 (DS cell adhesion molecule like 1; minus strand). Cytogenetic location: 11q23.3.
Variant type: single nucleotide variant.
Coding change: c.1429A>G on transcript NM_020693.4 (MANE Select); coding-DNA position 1429, A replaced by G.
Protein change: p.Ile477Val; replaces isoleucine 477 with valine.
Molecular consequence: missense variant.
Genome position (GRCh38, 1-based): chr11:117,518,547, T>C on the plus strand (A>G on the coding strand, the complement: DSCAML1 is on the minus strand). VCF-style: chr11-117518547-T-C. GRCh37 (hg19) VCF-style: chr11-117389262-T-C.
Other names: c.1429A>G, p.Ile477Val (NM_001367904.1); c.1021A>G, p.Ile341Val (NM_001367905.1); short protein forms I341V, I477V.
Identifiers: ClinVar variation 3616313 (VCV003616313.2).